The following is an entry in ClinVar:

ClinVar aggregate classification (germline): Pathogenic (1 of 4 stars; one submission).

Conditions:
Brugada syndrome 5 (BRGDA5). Identifiers: Orphanet 130, Orphanet 871, MedGen C2748541, MONDO:0013015, OMIM 612838.

Submission:

Labcorp Genetics (formerly Invitae), Labcorp
Classification: Pathogenic for Brugada syndrome 5. Last evaluated: 2024-04-17. Review status: criteria provided, single submitter. Criteria: Invitae Variant Classification Sherloc (09022015). Collection method: clinical testing. Allele origin: germline.
Comment: This sequence change creates a premature translational stop signal (p.Gly153Valfs*86) in the SCN1B gene. While this is not anticipated to result in nonsense mediated decay, it is expected to disrupt the last 116 amino acid(s) of the SCN1B protein. This variant is not present in population databases (gnomAD no frequency). This variant has not been reported in the literature in individuals affected with SCN1B-related conditions. ClinVar contains an entry for this variant (Variation ID: 2123799). Experimental studies and prediction algorithms are not available or were not evaluated, and the functional significance of this variant is currently unknown. This variant disrupts a region of the SCN1B protein in which other variant(s) (p.Trp179*) have been determined to be pathogenic (PMID: 18464934; Invitae). This suggests that this is a clinically significant region of the protein, and that variants that disrupt it are likely to be disease-causing. For these reasons, this variant has been classified as Pathogenic.

Literature cited by the submitters: PubMed 18464934.

NM_001037.5(SCN1B):c.448+10del

Gene: SCN1B (sodium voltage-gated channel beta subunit 1; plus strand). Cytogenetic location: 19q13.11.
Variant type: Deletion.
Coding change: c.448+10del on transcript NM_001037.5 (MANE Select); 10 bases into the intron after coding-DNA position 448, one base deleted (G; older notation c.448+10delG).
Molecular consequence: intron variant. On other transcripts: frameshift variant (1).
Genome position (GRCh38, 1-based): chr19:35,033,749, G deleted; the last of 3 consecutive G bases (chr19:35,033,747-35,033,749); deleting any one gives the same sequence. VCF-style (leftmost placement, unchanged base first): chr19-35033746-CG-C. GRCh37 (hg19) VCF-style: chr19-35524650-CG-C.
Other names: c.458del, p.Gly153fs (NM_199037.5); c.349+10del (NM_001321605.2); short protein forms G153fs.
Identifiers: ClinVar variation 2123799 (VCV002123799.4), dbSNP rs2064230124, ClinGen allele CA2333467075.